The following is an entry in ClinVar:

ClinVar aggregate classification (germline): Uncertain significance (1 of 4 stars; one submission).

Allele frequency attached by ClinVar (database versions not stated): ExAC 0.00001; gnomAD exomes 0.00001; TOPMed 0.00002.
gnomAD v4.1: 12 of 1,613,830 alleles (0.00074%); highest among the groups gnomAD compares: South Asian, 0.0022%; no homozygotes.

Submission:

Labcorp Genetics (formerly Invitae), Labcorp
Classification: Uncertain significance. Last evaluated: 2025-01-20. Review status: criteria provided, single submitter. Criteria: Invitae Variant Classification Sherloc (09022015). Collection method: clinical testing. Allele origin: germline.
Comment: This sequence change replaces proline, which is neutral and non-polar, with leucine, which is neutral and non-polar, at codon 49 of the SETBP1 protein (p.Pro49Leu). This variant is present in population databases (rs764706604, gnomAD 0.003%). This variant has not been reported in the literature in individuals affected with SETBP1-related conditions. ClinVar contains an entry for this variant (Variation ID: 1499841). An algorithm developed to predict the effect of missense changes on protein structure and function (PolyPhen-2) suggests that this variant is likely to be tolerated. In summary, the available evidence is currently insufficient to determine the role of this variant in disease. Therefore, it has been classified as a Variant of Uncertain Significance.

NM_015559.3(SETBP1):c.146C>T (p.Pro49Leu)

Gene: SETBP1 (SET binding protein 1; plus strand). Cytogenetic location: 18q12.3.
Variant type: single nucleotide variant.
Coding change: c.146C>T on transcript NM_015559.3 (MANE Select); coding-DNA position 146, C replaced by T.
Protein change: p.Pro49Leu; replaces proline 49 with leucine.
Molecular consequence: missense variant.
Genome position (GRCh38, 1-based): chr18:44,701,492, C>T. VCF-style: chr18-44701492-C-T. GRCh37 (hg19) VCF-style: chr18-42281457-C-T.
Other names: c.146C>T, p.Pro49Leu (NM_001130110.2, NM_001379141.1, NM_001379142.1); short protein forms P49L.
Identifiers: ClinVar variation 1499841 (VCV001499841.6), dbSNP rs764706604, ClinGen allele CA8945335.